The following is an entry in ClinVar:

NM_001164508.2(NEB):c.5102T>C (p.Val1701Ala)

Gene: NEB (nebulin; minus strand). Cytogenetic location: 2q23.3.
Variant type: single nucleotide variant.
Coding change: c.5102T>C on transcript NM_001164508.2 (MANE Select); coding-DNA position 5102, T replaced by C.
Protein change: p.Val1701Ala; replaces valine 1701 with alanine.
Molecular consequence: missense variant.
Genome position (GRCh38, 1-based): chr2:151,665,469, A>G on the plus strand (T>C on the coding strand, the complement: NEB is on the minus strand). VCF-style: chr2-151665469-A-G. GRCh37 (hg19) VCF-style: chr2-152521983-A-G.
Other names: p.Val1701Ala; c.5102T>C, p.Val1701Ala (NM_001164507.2, NM_001271208.2, NM_004543.5); short protein forms V1701A.
Identifiers: ClinVar variation 129745 (VCV000129745.31), dbSNP rs117271684, ClinGen allele CA153996.

ClinVar aggregate classification (germline): Benign. Review status: criteria provided, multiple submitters, no conflicts (2 of 4 stars). 11 submissions from 11 submitters: Benign (9). 2 of the submissions do not count toward it. Last evaluated 2026-02-04.

Conditions:
Nemaline myopathy 2 (NEM2). Also called: Nemaline myopathy 2, autosomal recessive. Identifiers: MedGen C1850569, MONDO:0009725, OMIM 256030.

Allele frequency attached by ClinVar (database versions not stated): ESP Exome Variant Server 0.00041; gnomAD exomes 0.00290 and 0.00880; gnomAD 0.00348 and 0.00429; TOPMed 0.00467; ExAC 0.00893; 1000 Genomes Project 30x 0.01765; 1000 Genomes Project 0.01917.
gnomAD v4.1: 5,036 of 1,611,368 alleles (0.31%); highest among the groups gnomAD compares: East Asian, 6.6%; 125 homozygotes.

Submissions (11):

Labcorp Genetics (formerly Invitae), Labcorp
Classification: Benign for Nemaline myopathy 2. Last evaluated: 2026-02-04. Review status: criteria provided, single submitter. Criteria: Invitae Variant Classification Sherloc (09022015). Collection method: clinical testing. Allele origin: germline.

Athena Diagnostics
Classification: Benign. Last evaluated: 2025-05-09. Review status: criteria provided, single submitter. Criteria: Athena Diagnostics Criteria. Collection method: clinical testing. Allele origin: unknown.
Comment: The frequency of this variant in the general population is higher than would generally be expected for pathogenic variants in this gene.

Mayo Clinic Laboratories, Mayo Clinic
Classification: Benign. Last evaluated: 2021-07-08. Review status: criteria provided, single submitter. Criteria: ACMG Guidelines, 2015. Collection method: clinical testing. Allele origin: germline. Observed: 3 variant alleles.

Illumina Laboratory Services, Illumina
Classification: Benign for Nemaline myopathy 2. Last evaluated: 2018-01-12. Review status: criteria provided, single submitter. Criteria: ICSL Variant Classification Criteria 13 December 2019. Collection method: clinical testing. Allele origin: germline.
Comment: This variant was observed in the ICSL laboratory as part of a predisposition screen in an ostensibly healthy population. It had not been previously curated by ICSL or reported in the Human Gene Mutation Database (HGMD: prior to June 1st, 2018), and was therefore a candidate for classification through an automated scoring system. Utilizing variant allele frequency, disease prevalence and penetrance estimates, and inheritance mode, an automated score was calculated to assess if this variant is too frequent to cause the disease. Based on the score and internal cut-off values, a variant classified as benign is not then subjected to further curation. The score for this variant resulted in a classification of benign for this disease.

Women's Health and Genetics/Laboratory Corporation of America, LabCorp
Classification: Benign. Last evaluated: 2017-04-24. Review status: criteria provided, single submitter. Criteria: LabCorp Variant Classification Summary - May 2015. Collection method: clinical testing. Allele origin: germline.
Comment: Variant summary: The NEB c.5102T>C (p.Val1701Ala) variant involves the alteration of a conserved nucleotide and is predicted to be benign by 2/4 in silico tools (SNPs&GO not captured due to low reliability index). This variant was found in 962/107782 control chromosomes (24 homozygotes) from ExAC, predominantly observed in the East Asian subpopulation at a frequency of 0.081239 (640/7878). This frequency is about 23 times the estimated maximal expected allele frequency of a pathogenic NEB variant (0.0035355), suggesting this is likely a benign polymorphism found primarily in the populations of East Asian origin. In addition, multiple clinical diagnostic laboratories/reputable databases classified this variant as benign. Taken together, this variant is classified as benign.

GeneDx
Classification: Benign. Last evaluated: 2016-05-18. Review status: criteria provided, single submitter. Criteria: GeneDx Variant Classification (06012015). Collection method: clinical testing. Allele origin: germline. Affected: yes.
Comment: This variant is considered likely benign or benign based on one or more of the following criteria: it is a conservative change, it occurs at a poorly conserved position in the protein, it is predicted to be benign by multiple in silico algorithms, and/or has population frequency not consistent with disease.

Eurofins Ntd Llc (ga)
Classification: Benign. Last evaluated: 2015-02-13. Review status: criteria provided, single submitter. Criteria: EGL Classification Definitions 2015. Collection method: clinical testing. Allele origin: germline. Observed: 1 variant allele, 1 heterozygote.

Breakthrough Genomics
Classification: Benign. Review status: criteria provided, single submitter. Criteria: ACMG Guidelines, 2015. Collection method: not provided. Allele origin: germline. Inheritance: Autosomal recessive inheritance. Affected: yes.

PreventionGenetics, part of Exact Sciences
Classification: Benign. Review status: criteria provided, single submitter. Criteria: ACMG Guidelines, 2015. Collection method: clinical testing. Allele origin: germline.

Natera, Inc.
Classification: Benign for Nemaline myopathy type 2. Last evaluated: 2020-09-16. Review status: no assertion criteria provided. Collection method: clinical testing. Allele origin: germline. Not counted in ClinVar's aggregate classification.

Genetic Services Laboratory, University of Chicago
Classification: Likely benign for AllHighlyPenetrant. Review status: no assertion criteria provided. Collection method: clinical testing. Allele origin: germline. Inheritance: Autosomal recessive inheritance. Not counted in ClinVar's aggregate classification.
Comment: Likely benign based on allele frequency in 1000 Genomes Project or ESP global frequency and its presence in a patient with a rare or unrelated disease phenotype. NOT Sanger confirmed.